The following is an entry in ClinVar:

NM_006206.6(PDGFRA):c.1651C>A (p.Gln551Lys)

Gene: PDGFRA (platelet derived growth factor receptor alpha; plus strand). Cytogenetic location: 4q12.
Variant type: single nucleotide variant.
Coding change: c.1651C>A on transcript NM_006206.6 (MANE Select); coding-DNA position 1651, C replaced by A.
Protein change: p.Gln551Lys; replaces glutamine 551 with lysine.
Molecular consequence: missense variant.
Genome position (GRCh38, 1-based): chr4:54,274,623, C>A. VCF-style: chr4-54274623-C-A. GRCh37 (hg19) VCF-style: chr4-55140790-C-A.
Other names: c.1651C>A, p.Gln551Lys (NM_001347827.2, NM_001347829.2); c.1726C>A, p.Gln576Lys (NM_001347828.2); c.1690C>A, p.Gln564Lys (NM_001347830.2); short protein forms Q551K, Q564K, Q576K.
Identifiers: ClinVar variation 407400 (VCV000407400.13), dbSNP rs770950644, ClinGen allele CA2922633.
Genomic context (GRCh38, chr4:54,274,623, plus strand): 5'-GTCCTGGTGCTGTTGGTGATTGTGATCATCTCACTTATTGTCCTGGTTGTCATTTGGAAA[C>A]AGGTAGATATTTTCTCATAAAACTAAAGATCTTTGAAGCCAATGAGAACAAGCATAGCAA-3'
Protein context (NP_006197.1, residues 541-561): SLIVLVVIWK[Gln551Lys]KPRYEIRWRV

ClinVar aggregate classification (germline): Uncertain significance. Review status: criteria provided, multiple submitters, no conflicts (2 of 4 stars). 4 submissions from 4 submitters: Uncertain significance (4). Last evaluated 2026-02-02.

Conditions:
Polyps, multiple and recurrent inflammatory fibroid, gastrointestinal. Identifiers: MedGen C5193005, MONDO:0008285, OMIM 175510.
Hereditary cancer-predisposing syndrome. Also called: Neoplastic Syndromes, Hereditary; Hereditary Cancer Syndrome; Hereditary neoplastic syndrome; Tumor predisposition. Identifiers: Orphanet 140162, MedGen C0027672, MeSH D009386, MONDO:0015356.
Gastrointestinal stromal tumor. Also called: Gastrointestinal stromal tumor, somatic; Gastrointestinal stroma tumor. Identifiers: Orphanet 44890, MedGen C0238198, MeSH D046152, MONDO:0011719, OMIM 606764, HP:0100723.
Idiopathic hypereosinophilic syndrome (HES). Identifiers: Orphanet 3260, MedGen C0206141, MONDO:0011895, OMIM 607685. Disease mechanism: gain of function.

Allele frequency attached by ClinVar (database versions not stated): TOPMed 0.00001.
gnomAD v4.1: 25 of 1,607,772 alleles (0.0016%); highest among the groups gnomAD compares: South Asian, 0.0011%; no homozygotes.

Submissions (4):

Labcorp Genetics (formerly Invitae), Labcorp
Classification: Uncertain significance for Gastrointestinal stromal tumor. Last evaluated: 2026-02-02. Review status: criteria provided, single submitter. Criteria: Invitae Variant Classification Sherloc (09022015). Collection method: clinical testing. Allele origin: germline.
Comment: This sequence change replaces glutamine, which is neutral and polar, with lysine, which is basic and polar, at codon 551 of the PDGFRA protein (p.Gln551Lys). This variant is present in population databases (rs770950644, gnomAD 0.02%). This variant has not been reported in the literature in individuals affected with PDGFRA-related conditions. ClinVar contains an entry for this variant (Variation ID: 407400). An algorithm developed to predict the effect of missense changes on protein structure and function (PolyPhen-2) suggests that this variant is likely to be disruptive. In summary, the available evidence is currently insufficient to determine the role of this variant in disease. Therefore, it has been classified as a Variant of Uncertain Significance.

Ambry Genetics
Classification: Uncertain significance for Hereditary cancer-predisposing syndrome. Last evaluated: 2024-12-18. Review status: criteria provided, single submitter. Criteria: Ambry Variant Classification Scheme 2023. Collection method: clinical testing. Allele origin: germline.
Comment: The p.Q551K variant (also known as c.1651C>A), located in coding exon 10 of the PDGFRA gene, results from a C to A substitution at nucleotide position 1651. The glutamine at codon 551 is replaced by lysine, an amino acid with similar properties. This amino acid position is well conserved in available vertebrate species. In addition, this alteration is predicted to be deleterious by in silico analysis. Based on the available evidence, the clinical significance of this variant remains unclear.

CENTOGENE GmbH and LLC - Guiding Precision Medicine
Classification: Uncertain significance for Polyps, multiple and recurrent inflammatory fibroid, gastrointestinal. Last evaluated: 2020-12-07. Review status: criteria provided, single submitter. Criteria: ACMG Guidelines, 2015. Collection method: clinical testing. Allele origin: germline.

Fulgent Genetics
Classification: Uncertain significance for Gastrointestinal stromal tumor; Idiopathic hypereosinophilic syndrome. Last evaluated: 2018-10-31. Review status: criteria provided, single submitter. Criteria: ACMG Guidelines, 2015. Collection method: clinical testing. Allele origin: unknown.